The following is an entry in ClinVar:

NM_001378454.1(ALMS1):c.2185G>A (p.Glu729Lys)

Gene: ALMS1 (ALMS1 centrosome and basal body associated protein; plus strand). Cytogenetic location: 2p13.1.
Variant type: single nucleotide variant.
Coding change: c.2185G>A on transcript NM_001378454.1 (MANE Select); coding-DNA position 2185, G replaced by A.
Protein change: p.Glu729Lys; replaces glutamic acid 729 with lysine.
Molecular consequence: missense variant.
Genome position (GRCh38, 1-based): chr2:73,448,712, G>A. VCF-style: chr2-73448712-G-A. GRCh37 (hg19) VCF-style: chr2-73675839-G-A.
Other names: c.2188G>A, p.Glu730Lys (NM_015120.4); short protein forms E729K, E730K.
Identifiers: ClinVar variation 4988627 (VCV004988627.1).
Genomic context (GRCh38, chr2:73,448,712, plus strand): 5'-GCAACAGTACTCTCTACTCCCCACTCACATAGAGAGAAGCCTGGTATTTTTTACCAACAA[G>A]AGTTCGCAGACAGTCATCAAACTGAAGAGACTCTTACTAAAGTTTCAGCCACTCCTGGAC-3'
Protein context (NP_001365383.1, residues 719-739): REKPGIFYQQ[Glu729Lys]FADSHQTEET

ClinVar aggregate classification (germline): Uncertain significance (1 of 4 stars; one submission).

Conditions:
ALMS1-related disorder. Also called: ALMS1-related condition.

Submission:

PreventionGenetics, part of Exact Sciences
Classification: Uncertain significance for ALMS1-related condition. Last evaluated: 2026-05-03. Review status: criteria provided, single submitter. Criteria: ACMG Guidelines, 2015. Collection method: clinical testing. Allele origin: germline.
Comment: The ALMS1 c.2188G>A variant is predicted to result in the amino acid substitution p.Ala730Thr. To our knowledge, this variant has not been reported in the literature. This variant is reported in 0.0018% of alleles in individuals of European (Non-Finnish) descent in gnomAD. At this time, the clinical significance of this variant is uncertain due to the absence of conclusive functional and genetic evidence.